The following is an entry in ClinVar:

NM_000163.5(GHR):c.*1554G>A

Gene: GHR (growth hormone receptor; plus strand). Cytogenetic location: 5p12.
Variant type: single nucleotide variant.
Coding change: c.*1554G>A on transcript NM_000163.5 (MANE Select); 1554 bases downstream of the stop codon, G replaced by A.
Molecular consequence: 3 prime UTR variant.
Genome position (GRCh38, 1-based): chr5:42,720,978, G>A. VCF-style: chr5-42720978-G-A. GRCh37 (hg19) VCF-style: chr5-42721080-G-A.
Other names: c.*1554G>A (NM_001242399.2, NM_001242400.2, NM_001242401.4 and 6 more transcripts); c.*2513G>A (NM_001242462.1).
Identifiers: ClinVar variation 353708 (VCV000353708.6), dbSNP rs7442754, ClinGen allele CA10620482.

ClinVar aggregate classification (germline): Benign. Review status: criteria provided, multiple submitters, no conflicts (2 of 4 stars). 2 submissions from 2 submitters: Benign (2). Last evaluated 2018-01-13.

Conditions:
Laron-type isolated somatotropin defect. Also called: GROWTH HORMONE RECEPTOR DEFICIENCY; Laron Syndrome; Growth hormone binding protein deficiency or dysfunction; Growth hormone receptor deficiency or dysfunction; Laron dwarfism; Laron type pituitary dwarfism I. Identifiers: Orphanet 633, MedGen C0271568, MONDO:0009877, OMIM 262500.

Allele frequency attached by ClinVar (database versions not stated): gnomAD 0.71972 and 0.73054; TOPMed 0.72774; 1000 Genomes Project 30x 0.78045; 1000 Genomes Project 0.78794.

Submissions (2):

Illumina Laboratory Services, Illumina
Classification: Benign for Laron-type isolated somatotropin defect. Last evaluated: 2018-01-13. Review status: criteria provided, single submitter. Criteria: ICSL Variant Classification Criteria 13 December 2019. Collection method: clinical testing. Allele origin: germline.
Comment: This variant was observed in the ICSL laboratory as part of a predisposition screen in an ostensibly healthy population. It had not been previously curated by ICSL or reported in the Human Gene Mutation Database (HGMD: prior to June 1st, 2018), and was therefore a candidate for classification through an automated scoring system. Utilizing variant allele frequency, disease prevalence and penetrance estimates, and inheritance mode, an automated score was calculated to assess if this variant is too frequent to cause the disease. Based on the score and internal cut-off values, a variant classified as benign is not then subjected to further curation. The score for this variant resulted in a classification of benign for this disease.

Breakthrough Genomics
Classification: Benign. Review status: criteria provided, single submitter. Criteria: ACMG Guidelines, 2015. Collection method: not provided. Allele origin: germline. Inheritance: Autosomal recessive inheritance. Affected: yes.